The following is an entry in ClinVar:

NM_001903.5(CTNNA1):c.1646C>T (p.Ala549Val)

Gene: CTNNA1 (catenin alpha 1; plus strand). Cytogenetic location: 5q31.2.
Variant type: single nucleotide variant.
Coding change: c.1646C>T on transcript NM_001903.5 (MANE Select); coding-DNA position 1646, C replaced by T.
Protein change: p.Ala549Val; replaces alanine 549 with valine.
Molecular consequence: missense variant.
Genome position (GRCh38, 1-based): chr5:138,924,609, C>T. VCF-style: chr5-138924609-C-T. GRCh37 (hg19) VCF-style: chr5-138260298-C-T.
Other names: c.1646C>T, p.Ala549Val (NM_001290307.3, NM_001323982.2, NM_001323983.1 and 2 more transcripts); c.1337C>T, p.Ala446Val (NM_001290309.3); c.1277C>T, p.Ala426Val (NM_001290310.3); c.536C>T, p.Ala179Val (NM_001290312.1, NM_001323987.1, NM_001323988.1 and 17 more transcripts); c.1553C>T, p.Ala518Val (NM_001323986.2); c.197C>T, p.Ala66Val (NM_001324006.1, NM_001324007.1, NM_001324008.1 and 2 more transcripts); c.443C>T, p.Ala148Val (NM_001324011.1); c.293C>T, p.Ala98Val (NM_001324012.1, NM_001324013.1); short protein forms A179V, A518V, A148V, A549V, A66V, A98V, A426V, A446V.
Identifiers: ClinVar variation 1777156 (VCV001777156.2), dbSNP rs2150288960, ClinGen allele CA361131890.

ClinVar aggregate classification (germline): Uncertain significance (1 of 4 stars; one submission).

Conditions:
Hereditary cancer-predisposing syndrome. Also called: Neoplastic Syndromes, Hereditary; Tumor predisposition; Hereditary Cancer Syndrome; Hereditary neoplastic syndrome. Identifiers: Orphanet 140162, MedGen C0027672, MeSH D009386, MONDO:0015356.

Submission:

Ambry Genetics
Classification: Uncertain significance for Hereditary cancer-predisposing syndrome. Last evaluated: 2022-03-20. Review status: criteria provided, single submitter. Criteria: Ambry Variant Classification Scheme 2023. Collection method: clinical testing. Allele origin: germline.
Comment: The p.A549V variant (also known as c.1646C>T), located in coding exon 11 of the CTNNA1 gene, results from a C to T substitution at nucleotide position 1646. The alanine at codon 549 is replaced by valine, an amino acid with similar properties. This amino acid position is conserved. In addition, the in silico prediction for this alteration is inconclusive. Since supporting evidence is limited at this time, the clinical significance of this alteration remains unclear.